The following is an entry in ClinVar:

ClinVar aggregate classification (germline): Likely pathogenic (1 of 4 stars; one submission).

Submission:

Labcorp Genetics (formerly Invitae), Labcorp
Classification: Likely pathogenic. Last evaluated: 2023-07-26. Review status: criteria provided, single submitter. Criteria: Invitae Variant Classification Sherloc (09022015). Collection method: clinical testing. Allele origin: germline.
Comment: Algorithms developed to predict the effect of sequence changes on RNA splicing suggest that this variant may disrupt the consensus splice site. In summary, the currently available evidence indicates that the variant is pathogenic, but additional data are needed to prove that conclusively. Therefore, this variant has been classified as Likely Pathogenic. This variant has not been reported in the literature in individuals affected with MOCS2A-related conditions. This variant is not present in population databases (gnomAD no frequency). This sequence change affects an acceptor splice site in intron 1 of the MOCS2A gene. It is expected to disrupt RNA splicing. Variants that disrupt the donor or acceptor splice site typically lead to a loss of protein function (PMID: 16199547), and loss-of-function variants in MOCS2A are known to be pathogenic (PMID: 21031595).

Literature cited by the submitters: PubMed 16199547; PubMed 21031595.

NM_004531.5(MOCS2):c.-169-1G>A

Gene: MOCS2 (molybdenum cofactor synthesis 2; minus strand). Cytogenetic location: 5q11.2.
Variant type: single nucleotide variant.
Coding change: c.-169-1G>A on transcript NM_004531.5 (MANE Select); the canonical splice acceptor site of the intron before 169 bases upstream of the start codon, G replaced by A.
Molecular consequence: splice acceptor variant.
Genome position (GRCh38, 1-based): chr5:53,108,644, C>T on the plus strand (G>A on the coding strand, the complement: MOCS2 is on the minus strand). VCF-style: chr5-53108644-C-T. GRCh37 (hg19) VCF-style: chr5-52404474-C-T.
Other names: c.19-1G>A (NM_176806.4).
Identifiers: ClinVar variation 2747134 (VCV002747134.3), dbSNP rs2478617582, ClinGen allele CA359694238.